The following is an entry in ClinVar:

NM_001458.5(FLNC):c.5538T>C (p.Pro1846=)

Genes: FLNC (filamin C; plus strand), FLNC-AS1 (FLNC antisense RNA 1; minus strand). Cytogenetic location: 7q32.1.
Variant type: single nucleotide variant.
Coding change: c.5538T>C on transcript NM_001458.5 (MANE Select); coding-DNA position 5538, T replaced by C.
Protein change: p.Pro1846=; no amino-acid change (proline 1846 retained).
Molecular consequence: synonymous variant.
Genome position (GRCh38, 1-based): chr7:128,850,942, T>C. VCF-style: chr7-128850942-T-C. GRCh37 (hg19) VCF-style: chr7-128490996-T-C.
Other names: c.5439T>C, p.Pro1813= (NM_001127487.2).
Identifiers: ClinVar variation 3763930 (VCV003763930.2).
Genomic context (GRCh38, chr7:128,850,942, plus strand): 5'-TGCACCCACTGAGAAAGGCCTGCACCAGATGGGGATCAAGTATGACGGCAACCACATCCC[T>C]GGTGAGTTAGGGGCTGGGCTGGGCTGGGGCTTGGGTGAGAGGAGCAGGCCGTAGCTTCAG-3'
Protein context (NP_001449.3, residues 1836-1856): MGIKYDGNHI[Pro1846=]GSPLQFYVDA

ClinVar aggregate classification (germline): Uncertain significance (1 of 4 stars; one submission).

Conditions:
Hypertrophic cardiomyopathy 26. Also called: Cardiomyopathy, familial hypertrophic, 26. Identifiers: Orphanet 75249, MedGen C4310749, MONDO:0014883, OMIM 617047.
Myofibrillar myopathy 5. Also called: Filaminopathy (type); FILAMINOPATHY, AUTOSOMAL DOMINANT. Identifiers: Orphanet 171445, MedGen C1836050, MONDO:0012289, OMIM 609524.
Distal myopathy with posterior leg and anterior hand involvement. Also called: WILLIAMS DISTAL MYOPATHY. Identifiers: Orphanet 63273, MedGen C3279722, MONDO:0013550, OMIM 614065.

Submission:

Labcorp Genetics (formerly Invitae), Labcorp
Classification: Uncertain significance for Distal myopathy with posterior leg and anterior hand involvement; Myofibrillar myopathy 5; Hypertrophic cardiomyopathy 26. Last evaluated: 2024-07-02. Review status: criteria provided, single submitter. Criteria: Invitae Variant Classification Sherloc (09022015). Collection method: clinical testing. Allele origin: germline.
Comment: This sequence change affects codon 1846 of the FLNC mRNA. It is a 'silent' change, meaning that it does not change the encoded amino acid sequence of the FLNC protein. It affects a nucleotide within the consensus splice site. This variant is not present in population databases (gnomAD no frequency). This variant has not been reported in the literature in individuals affected with FLNC-related conditions. Algorithms developed to predict the effect of sequence changes on RNA splicing suggest that this variant is not likely to affect RNA splicing. In summary, the available evidence is currently insufficient to determine the role of this variant in disease. Therefore, it has been classified as a Variant of Uncertain Significance.